The following is an entry in ClinVar:

ClinVar aggregate classification (germline): Uncertain significance (1 of 4 stars; one submission).

Submission:

Labcorp Genetics (formerly Invitae), Labcorp
Classification: Uncertain significance. Last evaluated: 2025-04-28. Review status: criteria provided, single submitter. Criteria: Invitae Variant Classification Sherloc (09022015). Collection method: clinical testing. Allele origin: germline.
Comment: This sequence change replaces lysine, which is basic and polar, with threonine, which is neutral and polar, at codon 305 of the CYP11B1 protein (p.Lys305Thr). This variant is present in population databases (rs763141139, gnomAD 0.004%). This variant has not been reported in the literature in individuals affected with CYP11B1-related conditions. Invitae Evidence Modeling of protein sequence and biophysical properties (such as structural, functional, and spatial information, amino acid conservation, physicochemical variation, residue mobility, and thermodynamic stability) has been performed for this missense variant. However, the output from this modeling did not meet the statistical confidence thresholds required to predict the impact of this variant on CYP11B1 protein function. In summary, the available evidence is currently insufficient to determine the role of this variant in disease. Therefore, it has been classified as a Variant of Uncertain Significance.

NM_000497.4(CYP11B1):c.914A>C (p.Lys305Thr)

Genes: CYP11B1 (cytochrome P450 family 11 subfamily B member 1; minus strand), LOC106799833 (CYP11B1 recombination region; plus strand). Cytogenetic location: 8q24.3.
Variant type: single nucleotide variant.
Coding change: c.914A>C on transcript NM_000497.4 (MANE Select); coding-DNA position 914, A replaced by C.
Protein change: p.Lys305Thr; replaces lysine 305 with threonine.
Molecular consequence: missense variant.
Genome position (GRCh38, 1-based): chr8:142,876,281, T>G on the plus strand (A>C on the coding strand, the complement: CYP11B1 is on the minus strand). VCF-style: chr8-142876281-T-G. GRCh37 (hg19) VCF-style: chr8-143957697-T-G.
Other names: c.914A>C, p.Lys305Thr (NM_001026213.1); short protein forms K305T.
Identifiers: ClinVar variation 4740165 (VCV004740165.1).